The following is an entry in ClinVar:

NM_000081.4(LYST):c.1588A>C (p.Lys530Gln)

Gene: LYST (lysosomal trafficking regulator; minus strand). Cytogenetic location: 1q42.3.
Variant type: single nucleotide variant.
Coding change: c.1588A>C on transcript NM_000081.4 (MANE Select); coding-DNA position 1588, A replaced by C.
Protein change: p.Lys530Gln; replaces lysine 530 with glutamine.
Molecular consequence: missense variant.
Genome position (GRCh38, 1-based): chr1:235,809,230, T>G on the plus strand (A>C on the coding strand, the complement: LYST is on the minus strand). VCF-style: chr1-235809230-T-G. GRCh37 (hg19) VCF-style: chr1-235972530-T-G.
Other names: c.1588A>C (NM_000081.2); c.1588A>C, p.Lys530Gln (NM_001301365.1); short protein forms K530Q.
Identifiers: ClinVar variation 934716 (VCV000934716.5), dbSNP rs1387454825, ClinGen allele CA344962071.

ClinVar aggregate classification (germline): Uncertain significance. Review status: criteria provided, multiple submitters, no conflicts (2 of 4 stars). 2 submissions from 2 submitters: Uncertain significance (2). Last evaluated 2022-07-05.

Conditions:
Inborn genetic diseases. Identifiers: MedGen C0950123, MeSH D030342.
Chédiak-Higashi syndrome (CHS). Also called: Chediak-Higashi Syndrome. Identifiers: Orphanet 167, MedGen C0007965, MONDO:0008963, OMIM 214500.

Allele frequency attached by ClinVar (database versions not stated): gnomAD 0.00001; TOPMed 0.00002.
gnomAD v4.1: 3 of 1,613,842 alleles (0.00019%); highest among the groups gnomAD compares: African/African-American, 0.004%; no homozygotes.

Submissions (2):

Labcorp Genetics (formerly Invitae), Labcorp
Classification: Uncertain significance for Chédiak-Higashi syndrome. Last evaluated: 2022-07-05. Review status: criteria provided, single submitter. Criteria: Invitae Variant Classification Sherloc (09022015). Collection method: clinical testing. Allele origin: germline.
Comment: This sequence change replaces lysine, which is basic and polar, with glutamine, which is neutral and polar, at codon 530 of the LYST protein (p.Lys530Gln). This variant is not present in population databases (gnomAD no frequency). This variant has not been reported in the literature in individuals affected with LYST-related conditions. ClinVar contains an entry for this variant (Variation ID: 934716). Algorithms developed to predict the effect of missense changes on protein structure and function (SIFT, PolyPhen-2, Align-GVGD) all suggest that this variant is likely to be tolerated. In summary, the available evidence is currently insufficient to determine the role of this variant in disease. Therefore, it has been classified as a Variant of Uncertain Significance.

Ambry Genetics
Classification: Uncertain significance for Inborn genetic diseases. Last evaluated: 2021-03-03. Review status: criteria provided, single submitter. Criteria: Ambry Variant Classification Scheme 2023. Collection method: clinical testing. Allele origin: germline.
Comment: The c.1588A>C (p.K530Q) alteration is located in exon 5 (coding exon 3) of the LYST gene. This alteration results from a A to C substitution at nucleotide position 1588, causing the lysine (K) at amino acid position 530 to be replaced by a glutamine (Q). The p.K530Q alteration is predicted to be tolerated by in silico analysis. Based on insufficient or conflicting evidence, the clinical significance of this alteration remains unclear.